The following is an entry in ClinVar:

ClinVar aggregate classification (germline): Uncertain significance (1 of 4 stars; one submission).

gnomAD v4.1: 4 of 1,613,520 alleles (0.00025%); highest among the groups gnomAD compares: African/African-American, 0.0013%; no homozygotes.

Submission:

Labcorp Genetics (formerly Invitae), Labcorp
Classification: Uncertain significance. Last evaluated: 2025-10-27. Review status: criteria provided, single submitter. Criteria: Invitae Variant Classification Sherloc (09022015). Collection method: clinical testing. Allele origin: germline.
Comment: This sequence change replaces glycine, which is neutral and non-polar, with arginine, which is basic and polar, at codon 178 of the LIG1 protein (p.Gly178Arg). This variant is not present in population databases (gnomAD no frequency). This variant has not been reported in the literature in individuals affected with LIG1-related conditions. An algorithm developed to predict the effect of missense changes on protein structure and function outputs the following: PolyPhen-2: "Benign". The arginine amino acid residue is found in multiple mammalian species, which suggests that this missense change does not adversely affect protein function. In summary, the available evidence is currently insufficient to determine the role of this variant in disease. Therefore, it has been classified as a Variant of Uncertain Significance.

NM_000234.3(LIG1):c.532G>C (p.Gly178Arg)

Gene: LIG1 (DNA ligase 1; minus strand). Cytogenetic location: 19q13.33.
Variant type: single nucleotide variant.
Coding change: c.532G>C on transcript NM_000234.3 (MANE Select); coding-DNA position 532, G replaced by C.
Protein change: p.Gly178Arg; replaces glycine 178 with arginine.
Molecular consequence: missense variant. On other transcripts: non-coding transcript variant (6), intron variant (1).
Genome position (GRCh38, 1-based): chr19:48,151,274, C>G on the plus strand (G>C on the coding strand, the complement: LIG1 is on the minus strand). VCF-style: chr19-48151274-C-G. GRCh37 (hg19) VCF-style: chr19-48654531-C-G.
Other names: c.439G>C, p.Gly147Arg (NM_001289063.2); c.529G>C, p.Gly177Arg (NM_001320970.2); c.442G>C, p.Gly148Arg (NM_001320971.2); c.371-1064G>C (NM_001289064.2); short protein forms G147R, G177R, G148R, G178R.
Identifiers: ClinVar variation 4736729 (VCV004736729.1).